The following is an entry in ClinVar:

ClinVar aggregate classification (germline): Uncertain significance. Review status: criteria provided, multiple submitters, no conflicts (2 of 4 stars). 3 submissions from 3 submitters: Uncertain significance (3). Last evaluated 2025-07-12.

Conditions:
Inborn genetic diseases. Identifiers: MedGen C0950123, MeSH D030342.

Submissions (3):

Ambry Genetics
Classification: Uncertain significance for Inborn genetic diseases. Last evaluated: 2025-07-12. Review status: criteria provided, single submitter. Criteria: Ambry Variant Classification Scheme 2023. Collection method: clinical testing. Allele origin: germline.

Labcorp Genetics (formerly Invitae), Labcorp
Classification: Uncertain significance. Last evaluated: 2023-07-07. Review status: criteria provided, single submitter. Criteria: Invitae Variant Classification Sherloc (09022015). Collection method: clinical testing. Allele origin: germline.
Comment: In summary, the available evidence is currently insufficient to determine the role of this variant in disease. Therefore, it has been classified as a Variant of Uncertain Significance. Advanced modeling of protein sequence and biophysical properties (such as structural, functional, and spatial information, amino acid conservation, physicochemical variation, residue mobility, and thermodynamic stability) performed at Invitae indicates that this missense variant is not expected to disrupt TCIRG1 protein function. ClinVar contains an entry for this variant (Variation ID: 1490126). This variant has not been reported in the literature in individuals affected with TCIRG1-related conditions. This variant is not present in population databases (gnomAD no frequency). This sequence change replaces tryptophan, which is neutral and slightly polar, with cysteine, which is neutral and slightly polar, at codon 476 of the TCIRG1 protein (p.Trp476Cys).

Blueprint Genetics
Classification: Uncertain significance. Last evaluated: 2022-08-09. Review status: criteria provided, single submitter. Criteria: ACMG Guidelines, 2015. Collection method: clinical testing. Allele origin: germline.

NM_006019.4(TCIRG1):c.1428G>C (p.Trp476Cys)

Gene: TCIRG1 (T cell immune regulator 1, ATPase H+ transporting V0 subunit a3; plus strand). Cytogenetic location: 11q13.2.
Variant type: single nucleotide variant.
Coding change: c.1428G>C on transcript NM_006019.4 (MANE Select); coding-DNA position 1428, G replaced by C.
Protein change: p.Trp476Cys; replaces tryptophan 476 with cysteine.
Molecular consequence: missense variant.
Genome position (GRCh38, 1-based): chr11:68,047,769, G>C. VCF-style: chr11-68047769-G-C. GRCh37 (hg19) VCF-style: chr11-67815236-G-C.
Other names: c.534G>C, p.Trp178Cys (NM_001351059.2); c.1428G>C (NM_006019.3); c.780G>C, p.Trp260Cys (NM_006053.4); short protein forms W476C, W178C, W260C.
Identifiers: ClinVar variation 1490126 (VCV001490126.10), dbSNP rs757676092, ClinGen allele CA381584155.